The following is an entry in ClinVar:

ClinVar aggregate classification (germline): Uncertain significance (1 of 4 stars; one submission).

gnomAD v4.1: 4 of 1,572,682 alleles (0.00025%); highest among the groups gnomAD compares: Non-Finnish European, 0.00035%; no homozygotes.

Submission:

Labcorp Genetics (formerly Invitae), Labcorp
Classification: Uncertain significance. Last evaluated: 2025-09-23. Review status: criteria provided, single submitter. Criteria: Invitae Variant Classification Sherloc (09022015). Collection method: clinical testing. Allele origin: germline.
Comment: This sequence change replaces methionine, which is neutral and non-polar, with isoleucine, which is neutral and non-polar, at codon 166 of the MKL1 protein (p.Met166Ile). This variant is not present in population databases (gnomAD no frequency). This variant has not been reported in the literature in individuals affected with MKL1-related conditions. An algorithm developed to predict the effect of missense changes on protein structure and function (PolyPhen-2) suggests that this variant is likely to be tolerated. In summary, the available evidence is currently insufficient to determine the role of this variant in disease. Therefore, it has been classified as a Variant of Uncertain Significance.

NM_020831.6(MRTFA):c.798G>A (p.Met266Ile)

Gene: MRTFA (myocardin related transcription factor A; minus strand). Cytogenetic location: 22q13.1.
Variant type: single nucleotide variant.
Coding change: c.798G>A on transcript NM_020831.6 (MANE Select); coding-DNA position 798, G replaced by A.
Protein change: p.Met266Ile; replaces methionine 266 with isoleucine.
Molecular consequence: missense variant. On other transcripts: intron variant (1).
Genome position (GRCh38, 1-based): chr22:40,423,665, C>T on the plus strand (G>A on the coding strand, the complement: MRTFA is on the minus strand). VCF-style: chr22-40423665-C-T. GRCh37 (hg19) VCF-style: chr22-40819669-C-T.
Other names: c.498G>A, p.Met166Ile (NM_001282660.2); c.798G>A, p.Met266Ile (NM_001282662.3); c.603G>A, p.Met201Ile (NM_001318139.2); c.777+541G>A (NM_001282661.3); short protein forms M201I, M266I, M166I.
Identifiers: ClinVar variation 4699508 (VCV004699508.1).